The following is an entry in ClinVar:

NM_015922.3(NSDHL):c.402G>C (p.Glu134Asp)

Gene: NSDHL (NAD(P) dependent 3-beta-hydroxysteroid dehydrogenase NSDHL; plus strand). Cytogenetic location: Xq28.
Variant type: single nucleotide variant.
Coding change: c.402G>C on transcript NM_015922.3 (MANE Select); coding-DNA position 402, G replaced by C.
Protein change: p.Glu134Asp; replaces glutamic acid 134 with aspartic acid.
Molecular consequence: missense variant.
Genome position (GRCh38, 1-based): chrX:152,858,904, G>C. VCF-style: chrX-152858904-G-C. GRCh37 (hg19) VCF-style: chrX-152027448-G-C.
Other names: c.402G>C, p.Glu134Asp (NM_001129765.2, NM_001441099.1); short protein forms E134D.
Identifiers: ClinVar variation 5009003 (VCV005009003.1).

ClinVar aggregate classification (germline): Uncertain significance (1 of 4 stars; one submission).

Submission:

GeneDx
Classification: Uncertain significance. Last evaluated: 2026-03-10. Review status: criteria provided, single submitter. Criteria: GeneDx Variant Classification Process June 2021. Collection method: clinical testing. Allele origin: germline.
Comment: Not observed at significant frequency in large population cohorts (gnomAD); In silico analysis suggests that this missense variant does not alter protein structure/function; Has not been previously published as pathogenic or benign to our knowledge